The following is an entry in ClinVar:

NM_152564.5(VPS13B):c.4971_4973del (p.Arg1658del)

Gene: VPS13B (vacuolar protein sorting 13 homolog B; plus strand). Cytogenetic location: 8q22.2.
Variant type: Deletion.
Coding change: c.4971_4973del on transcript NM_152564.5 (MANE Select); coding-DNA positions 4971 to 4973, 3 bases deleted (GAG; older notation c.4971_4973delGAG).
Protein change: p.Arg1658del; deletes arginine 1658.
Molecular consequence: inframe deletion.
Genome position (GRCh38, 1-based): chr8:99,575,679-99,575,681, GAG deleted; deleting any 3 consecutive bases within chr8:99,575,677-99,575,681 gives the same sequence; the c. name uses the placement nearest the transcript's 3' end. VCF-style (leftmost placement, unchanged base first): chr8-99575676-AAGG-A. GRCh37 (hg19) VCF-style: chr8-100587904-AAGG-A.
Other names: c.5046_5048del, p.Arg1683del (NM_017890.5); c.5046_5048delGAG (NM_017890.4); short protein forms R1658del, R1683del.
Identifiers: ClinVar variation 555177 (VCV000555177.7), dbSNP rs770497996, ClinGen allele CA4823709.

ClinVar aggregate classification (germline): Uncertain significance. Review status: criteria provided, single submitter (1 of 4 stars). 3 submissions from 3 submitters: Uncertain significance (1). 2 of the submissions do not count toward it. Last evaluated 2021-08-31.

Conditions:
Cohen syndrome (COH1). Also called: Cutis verticis gyrata, retinitis pigmentosa, and sensorineural deafness; PEPPER SYNDROME. Identifiers: Orphanet 193, MedGen C0265223, MONDO:0008999, OMIM 216550.

Submissions (3):

Labcorp Genetics (formerly Invitae), Labcorp
Classification: Uncertain significance for Cohen syndrome. Last evaluated: 2021-08-31. Review status: criteria provided, single submitter. Criteria: Invitae Variant Classification Sherloc (09022015). Collection method: clinical testing. Allele origin: germline.
Comment: This variant, c.5046_5048del, results in the deletion of 1 amino acid(s) of the VPS13B protein (p.Arg1683del), but otherwise preserves the integrity of the reading frame. This variant is present in population databases (rs770497996, ExAC 0.002%). This variant has not been reported in the literature in individuals affected with VPS13B-related conditions. ClinVar contains an entry for this variant (Variation ID: 555177). Experimental studies and prediction algorithms are not available or were not evaluated, and the functional significance of this variant is currently unknown. In summary, the available evidence is currently insufficient to determine the role of this variant in disease. Therefore, it has been classified as a Variant of Uncertain Significance.

Natera, Inc.
Classification: Uncertain significance for Cohen syndrome. Last evaluated: 2021-06-14. Review status: no assertion criteria provided. Collection method: clinical testing. Allele origin: germline. Not counted in ClinVar's aggregate classification.

Counsyl
Classification: Uncertain significance for Cohen syndrome. Last evaluated: 2017-11-21. Review status: no assertion criteria provided. Collection method: clinical testing. Allele origin: unknown. Not counted in ClinVar's aggregate classification.